The following is an entry in ClinVar:

NM_000052.7(ATP7A):c.305A>G (p.His102Arg)

Gene: ATP7A (ATPase copper transporting alpha; plus strand). Cytogenetic location: Xq21.1.
Variant type: single nucleotide variant.
Coding change: c.305A>G on transcript NM_000052.7 (MANE Select); coding-DNA position 305, A replaced by G.
Protein change: p.His102Arg; replaces histidine 102 with arginine.
Molecular consequence: missense variant.
Genome position (GRCh38, 1-based): chrX:77,988,426, A>G. VCF-style: chrX-77988426-A-G. GRCh37 (hg19) VCF-style: chrX-77243922-A-G.
Other names: c.305A>G, p.His102Arg (NM_001282224.2); c.305A>G (NM_000052.6); short protein forms H102R.
Identifiers: ClinVar variation 1376171 (VCV001376171.6), dbSNP rs1253495703, ClinGen allele CA413599382.

ClinVar aggregate classification (germline): Uncertain significance. Review status: criteria provided, single submitter (1 of 4 stars). 2 submissions from 2 submitters: Uncertain significance (1). 1 of the submissions does not count toward it. Last evaluated 2022-09-13.

Conditions:
Menkes kinky-hair syndrome (MNK). Also called: Classic Menkes Disease; Copper transport disease; Menkes Disease. Identifiers: Orphanet 565, MedGen C0022716, MONDO:0010651, OMIM 309400.
Cutis laxa, X-linked (OHS). Also called: EDS IX; Occipital horn syndrome. Identifiers: Orphanet 198, MedGen C0268353, MONDO:0010572, OMIM 304150.
X-linked distal spinal muscular atrophy type 3. Also called: ATP7A-Related Distal Motor Neuropathy; SPINAL MUSCULAR ATROPHY, DISTAL, X-LINKED RECESSIVE; NEUROPATHY, DISTAL HEREDITARY MOTOR, X-LINKED; NEURONOPATHY, DISTAL HEREDITARY MOTOR, X-LINKED. Identifiers: Orphanet 139557, MedGen C1845359, MONDO:0010338, OMIM 300489.

Allele frequency attached by ClinVar (database versions not stated): gnomAD 0.00001; TOPMed 0.00001.

Submissions (2):

Labcorp Genetics (formerly Invitae), Labcorp
Classification: Uncertain significance for X-linked distal spinal muscular atrophy type 3; Cutis laxa, X-linked; Menkes kinky-hair syndrome. Last evaluated: 2022-09-13. Review status: criteria provided, single submitter. Criteria: Invitae Variant Classification Sherloc (09022015). Collection method: clinical testing. Allele origin: germline.
Comment: This sequence change replaces histidine, which is basic and polar, with arginine, which is basic and polar, at codon 102 of the ATP7A protein (p.His102Arg). This variant is not present in population databases (gnomAD no frequency). This variant has not been reported in the literature in individuals affected with ATP7A-related conditions. ClinVar contains an entry for this variant (Variation ID: 1376171). Advanced modeling of protein sequence and biophysical properties (such as structural, functional, and spatial information, amino acid conservation, physicochemical variation, residue mobility, and thermodynamic stability) performed at Invitae indicates that this missense variant is not expected to disrupt ATP7A protein function. In summary, the available evidence is currently insufficient to determine the role of this variant in disease. Therefore, it has been classified as a Variant of Uncertain Significance.

Natera, Inc.
Classification: Uncertain significance for Menkes kinky hair syndrome. Last evaluated: 2025-01-05. Review status: no assertion criteria provided. Collection method: clinical testing. Allele origin: germline. Not counted in ClinVar's aggregate classification.